The following is an entry in ClinVar:

ClinVar aggregate classification (germline): Uncertain significance. Review status: criteria provided, multiple submitters, no conflicts (2 of 4 stars). 3 submissions from 3 submitters: Uncertain significance (2). 1 of the submissions does not count toward it. Last evaluated 2022-08-16.

Conditions:
Familial isolated deficiency of vitamin E (AVED). Also called: ATAXIA, FRIEDREICH-LIKE, WITH SELECTIVE VITAMIN E DEFICIENCY; Ataxia with isolated vitamin E deficiency. Identifiers: Orphanet 96, MedGen C1848533, MONDO:0010188, OMIM 277460.

Allele frequency attached by ClinVar (database versions not stated): ExAC 0.00001; gnomAD 0.00001; TOPMed 0.00005; 1000 Genomes Project 0.00020; gnomAD exomes 0.00001 and 0.00004; 1000 Genomes Project 30x 0.00031.

Submissions (3):

Labcorp Genetics (formerly Invitae), Labcorp
Classification: Uncertain significance. Last evaluated: 2022-08-16. Review status: criteria provided, single submitter. Criteria: Invitae Variant Classification Sherloc (09022015). Collection method: clinical testing. Allele origin: germline.
Comment: This sequence change replaces serine, which is neutral and polar, with threonine, which is neutral and polar, at codon 91 of the TTPA protein (p.Ser91Thr). This variant is present in population databases (rs186021365, gnomAD 0.02%). This variant has not been reported in the literature in individuals affected with TTPA-related conditions. ClinVar contains an entry for this variant (Variation ID: 805736). Algorithms developed to predict the effect of missense changes on protein structure and function output the following: SIFT: "Deleterious"; PolyPhen-2: "Benign"; Align-GVGD: "Class C0". The threonine amino acid residue is found in multiple mammalian species, which suggests that this missense change does not adversely affect protein function. In summary, the available evidence is currently insufficient to determine the role of this variant in disease. Therefore, it has been classified as a Variant of Uncertain Significance.

Athena Diagnostics
Classification: Uncertain significance. Last evaluated: 2019-08-07. Review status: criteria provided, single submitter. Criteria: Athena Diagnostics Criteria. Collection method: clinical testing. Allele origin: germline.

Natera, Inc.
Classification: Uncertain significance for Familial isolated deficiency of vitamin E. Last evaluated: 2020-02-13. Review status: no assertion criteria provided. Collection method: clinical testing. Allele origin: germline. Not counted in ClinVar's aggregate classification.

NM_000370.3(TTPA):c.272G>C (p.Ser91Thr)

Gene: TTPA (alpha tocopherol transfer protein; minus strand). Cytogenetic location: 8q12.3.
Variant type: single nucleotide variant.
Coding change: c.272G>C on transcript NM_000370.3 (MANE Select); coding-DNA position 272, G replaced by C.
Protein change: p.Ser91Thr; replaces serine 91 with threonine.
Molecular consequence: missense variant.
Genome position (GRCh38, 1-based): chr8:63,073,021, C>G on the plus strand (G>C on the coding strand, the complement: TTPA is on the minus strand). VCF-style: chr8-63073021-C-G. GRCh37 (hg19) VCF-style: chr8-63985580-C-G.
Other names: short protein forms S91T.
Identifiers: ClinVar variation 805736 (VCV000805736.5), dbSNP rs186021365, ClinGen allele CA4763288.
Genomic context (GRCh38, chr8:63,073,021, plus strand): 5'-CCAGTGGGATCCCTGGATCTCAGGACTCCATGGTAGCCAGCCTTTAGGAGGCCAATAATA[C>G]TTCTAGGGTGTAGATCTGCACTTATTTCTGGACATTCTGCTCTCCACTTATAATAGTTTT-3'
Protein context (NP_000361.1, residues 81-101): PEISADLHPR[Ser91Thr]IIGLLKAGYH